The following is an entry in ClinVar:

ClinVar aggregate classification (germline): Benign/Likely benign. Review status: criteria provided, multiple submitters, no conflicts (2 of 4 stars). 3 submissions from 3 submitters: Benign (1); Likely benign (1). 1 of the submissions does not count toward it. Last evaluated 2025-12-22.

Conditions:
MAST1-related disorder. Also called: MAST1-related condition.

Allele frequency attached by ClinVar (database versions not stated): ExAC 0.00024; ESP Exome Variant Server 0.00077; gnomAD 0.00087 and 0.00089; 1000 Genomes Project 30x 0.00094; TOPMed 0.00094; 1000 Genomes Project 0.00100.
gnomAD v4.1: 395 of 1,611,318 alleles (0.025%); highest among the groups gnomAD compares: East Asian, 0.34%; no homozygotes.

Submissions (3):

Labcorp Genetics (formerly Invitae), Labcorp
Classification: Benign. Last evaluated: 2025-12-22. Review status: criteria provided, single submitter. Criteria: Invitae Variant Classification Sherloc (09022015). Collection method: clinical testing. Allele origin: germline.

Laboratorio de Genetica e Diagnostico Molecular, Hospital Israelita Albert Einstein
Classification: Likely benign. Last evaluated: 2020-01-03. Review status: criteria provided, single submitter. Criteria: ACMG Guidelines, 2015. Collection method: clinical testing. Allele origin: germline. Affected: yes.
Comment: ACMG classification criteria: BS1, BP4

PreventionGenetics, part of Exact Sciences
Classification: Likely benign for MAST1-related condition. Last evaluated: 2019-08-28. Review status: no assertion criteria provided. Collection method: clinical testing. Allele origin: germline. Not counted in ClinVar's aggregate classification.
Comment: This variant is classified as likely benign based on ACMG/AMP sequence variant interpretation guidelines (Richards et al. 2015 PMID: 25741868, with internal and published modifications).

NM_014975.3(MAST1):c.1906+8C>T

Gene: MAST1 (microtubule associated serine/threonine kinase 1; plus strand). Cytogenetic location: 19p13.13.
Variant type: single nucleotide variant.
Coding change: c.1906+8C>T on transcript NM_014975.3 (MANE Select); 8 bases into the intron after coding-DNA position 1906, C replaced by T.
Molecular consequence: intron variant.
Genome position (GRCh38, 1-based): chr19:12,865,826, C>T. VCF-style: chr19-12865826-C-T. GRCh37 (hg19) VCF-style: chr19-12976640-C-T.
Other names: c.1906+8C>T (NM_014975.2).
Identifiers: ClinVar variation 1690768 (VCV001690768.9), dbSNP rs149277170, ClinGen allele CA9232996.